The following is an entry in ClinVar:

NM_000219.6(KCNE1):c.160T>G (p.Phe54Val)

Gene: KCNE1 (potassium voltage-gated channel subfamily E regulatory subunit 1; minus strand). Cytogenetic location: 21q22.12.
Variant type: single nucleotide variant.
Coding change: c.160T>G on transcript NM_000219.6 (MANE Select); coding-DNA position 160, T replaced by G.
Protein change: p.Phe54Val; replaces phenylalanine 54 with valine.
Molecular consequence: missense variant.
Genome position (GRCh38, 1-based): chr21:34,449,475, A>C on the plus strand (T>G on the coding strand, the complement: KCNE1 is on the minus strand). VCF-style: chr21-34449475-A-C. GRCh37 (hg19) VCF-style: chr21-35821773-A-C.
Other names: c.160T>G, p.Phe54Val (NM_001127668.4, NM_001127669.4, NM_001127670.4 and 4 more transcripts); short protein forms F54V.
Identifiers: ClinVar variation 3374205 (VCV003374205.2).

Conditions:
Long QT syndrome 5 (LQT5). Identifiers: Orphanet 101016, Orphanet 768, MedGen C1867904, MONDO:0013372, OMIM 613695.

Submission:

Roden Lab, Vanderbilt University Medical Center
No classification provided (evidence only). Condition: Long QT syndrome 5. Review status: no classification provided. Collection method: in vitro. Allele origin: not applicable. Functional consequence: Effect on ion channel function.
ClinVar note: "not provided" was previously submitted as the classification for the variant. However, the classification appeared to be based only on an observation of functional data so it was converted to no classification on 2025-07-30.